The following is an entry in ClinVar:

ClinVar aggregate classification (germline): Pathogenic (1 of 4 stars; one submission).

Submission:

GeneDx
Classification: Pathogenic. Last evaluated: 2021-05-20. Review status: criteria provided, single submitter. Criteria: GeneDx Variant Classification Process June 2021. Collection method: clinical testing. Allele origin: germline. Affected: yes.
Comment: Published functional studies demonstrate a damaging effect on KCNQ2 function (Prole et al., 2004); Not observed at significant frequency in large population cohorts (Lek et al., 2016); In silico analysis supports that this missense variant has a deleterious effect on protein structure/function; In addition, in silico analysis supports a deleterious effect on splicing; Missense variants in this gene are often considered pathogenic (Stenson et al., 2014); This variant is associated with the following publications: (PMID: 29655203, 14990473)

NM_172107.4(KCNQ2):c.848A>G (p.Lys283Arg)

Gene: KCNQ2 (potassium voltage-gated channel subfamily Q member 2; minus strand). Cytogenetic location: 20q13.33.
Variant type: single nucleotide variant.
Coding change: c.848A>G on transcript NM_172107.4 (MANE Select); coding-DNA position 848, A replaced by G.
Protein change: p.Lys283Arg; replaces lysine 283 with arginine.
Molecular consequence: missense variant.
Genome position (GRCh38, 1-based): chr20:63,439,677, T>C on the plus strand (A>G on the coding strand, the complement: KCNQ2 is on the minus strand). VCF-style: chr20-63439677-T-C. GRCh37 (hg19) VCF-style: chr20-62071030-T-C.
Other names: p.K283R:AAG>AGG; c.848A>G, p.Lys283Arg (NM_004518.6, NM_172106.3, NM_172108.5 and 1 more transcripts); short protein forms K283R.
Identifiers: ClinVar variation 205885 (VCV000205885.4), dbSNP rs796052637, ClinGen allele CA315406.